The following is an entry in ClinVar:

NM_001040108.2(MLH3):c.1142G>A (p.Arg381His)

Gene: MLH3 (mutL homolog 3; minus strand). Cytogenetic location: 14q24.3.
Variant type: single nucleotide variant.
Coding change: c.1142G>A on transcript NM_001040108.2 (MANE Select); coding-DNA position 1142, G replaced by A.
Protein change: p.Arg381His; replaces arginine 381 with histidine.
Molecular consequence: missense variant.
Genome position (GRCh38, 1-based): chr14:75,048,514, C>T on the plus strand (G>A on the coding strand, the complement: MLH3 is on the minus strand). VCF-style: chr14-75048514-C-T. GRCh37 (hg19) VCF-style: chr14-75515217-C-T.
Other names: c.1142G>A, p.Arg381His (NM_014381.3); short protein forms R381H.
Identifiers: ClinVar variation 1516896 (VCV001516896.12), dbSNP rs751375245, ClinGen allele CA7275919.
Genomic context (GRCh38, chr14:75,048,514, plus strand): 5'-TAGGAATCTAAAATATTATTACATGCTTCCTGGAAATTGCTCCTCTCATCGGAAGTCACA[C>T]GCTTCTGAAGAGTAGCATCAAATAAACTAAAACCATTATCTTCACTAAATTCCTTAATAT-3'
Protein context (NP_001035197.1, residues 371-391): FSLFDATLQK[Arg381His]VTSDERSNFQ

ClinVar aggregate classification (germline): Conflicting classifications of pathogenicity. Review status: criteria provided, conflicting classifications (1 of 4 stars). 4 submissions from 4 submitters: Uncertain significance (3); Likely benign (1). Last evaluated 2025-08-29.

Conditions:
Endometrial carcinoma. Also called: Endometrial carcinoma, somatic. Identifiers: MedGen C0476089, MONDO:0002447, OMIM 608089, HP:0012114.
Colorectal cancer, hereditary nonpolyposis, type 7. Identifiers: Orphanet 144, MedGen C1858380, MONDO:0013725, OMIM 614385.
Colorectal cancer. Also called: Colorectal cancer, somatic; Malignant Colorectal Neoplasm. Identifiers: MedGen C0346629, MONDO:0005575, OMIM 114500.
MLH3-related disorder. Also called: MLH3-related condition.

Allele frequency attached by ClinVar (database versions not stated): ExAC 0.00001; gnomAD exomes 0.00002; TOPMed 0.00004.

Submissions (4):

Labcorp Genetics (formerly Invitae), Labcorp
Classification: Uncertain significance for Colorectal cancer, hereditary nonpolyposis, type 7. Last evaluated: 2025-08-29. Review status: criteria provided, single submitter. Criteria: Invitae Variant Classification Sherloc (09022015). Collection method: clinical testing. Allele origin: germline.
Comment: This sequence change replaces arginine, which is basic and polar, with histidine, which is basic and polar, at codon 381 of the MLH3 protein (p.Arg381His). This variant is present in population databases (rs751375245, gnomAD 0.008%). This variant has not been reported in the literature in individuals affected with MLH3-related conditions. ClinVar contains an entry for this variant (Variation ID: 1516896). An algorithm developed to predict the effect of missense changes on protein structure and function outputs the following: PolyPhen-2: "Benign". The histidine amino acid residue is found in multiple mammalian species, which suggests that this missense change does not adversely affect protein function. In summary, the available evidence is currently insufficient to determine the role of this variant in disease. Therefore, it has been classified as a Variant of Uncertain Significance.

Fulgent Genetics
Classification: Uncertain significance for Colorectal cancer; Endometrial carcinoma; Colorectal cancer, hereditary nonpolyposis, type 7. Last evaluated: 2024-05-16. Review status: criteria provided, single submitter. Criteria: ACMG Guidelines, 2015. Collection method: clinical testing. Allele origin: germline.

PreventionGenetics, part of Exact Sciences
Classification: Uncertain significance for MLH3-related condition. Last evaluated: 2023-06-30. Review status: criteria provided, single submitter. Criteria: ACMG Guidelines, 2015. Collection method: clinical testing. Allele origin: germline.
Comment: The MLH3 c.1142G>A variant is predicted to result in the amino acid substitution p.Arg381His. To our knowledge, this variant has not been reported in the literature. This variant is reported in 0.012% of alleles in individuals of African descent in gnomAD and has conflicting interpretations of pathogenicity in ClinVar ranging from likely benign to uncertain. At this time, the clinical significance of this variant is uncertain due to the absence of conclusive functional and genetic evidence.

Ambry Genetics
Classification: Likely benign. Last evaluated: 2021-12-09. Review status: criteria provided, single submitter. Criteria: Ambry Variant Classification Scheme 2023. Collection method: clinical testing. Allele origin: germline.